The following is an entry in ClinVar:

NM_004415.4(DSP):c.1707A>G (p.Lys569=)

Gene: DSP (desmoplakin; plus strand). Cytogenetic location: 6p24.3.
Variant type: single nucleotide variant.
Coding change: c.1707A>G on transcript NM_004415.4 (MANE Select); coding-DNA position 1707, A replaced by G.
Protein change: p.Lys569=; no amino-acid change (lysine 569 retained).
Molecular consequence: synonymous variant.
Genome position (GRCh38, 1-based): chr6:7,571,388, A>G. VCF-style: chr6-7571388-A-G. GRCh37 (hg19) VCF-style: chr6-7571621-A-G.
Other names: c.1707A>G, p.Lys569= (NM_001008844.3, NM_001319034.2).
Identifiers: ClinVar variation 923328 (VCV000923328.5), dbSNP rs1759045455, ClinGen allele CA448524385.

ClinVar aggregate classification (germline): Likely benign. Review status: criteria provided, multiple submitters, no conflicts (2 of 4 stars). 3 submissions from 3 submitters: Likely benign (3). Last evaluated 2026-08-01.

Conditions:
Cardiovascular phenotype. Identifiers: MedGen CN230736.
Cardiomyopathy (CMYO). Also called: Cardiomyopathies. Identifiers: Orphanet 167848, MedGen C0878544, MONDO:0004994, HP:0001638. Inheritance: Various modes of inheritance.

Allele frequency attached by ClinVar (database versions not stated): TOPMed below 0.00001.

Submissions (3):

CeGaT Center for Human Genetics Tuebingen
Classification: Likely benign. Last evaluated: 2026-08-01. Review status: criteria provided, single submitter. Criteria: CeGaT Center For Human Genetics Tuebingen Variant Classification Criteria Version 2. Collection method: clinical testing. Allele origin: germline. Affected: yes. Observed: 1 variant allele.
Comment: DSP: PM2:Supporting, BP4, BP7

Color Diagnostics, LLC DBA Color Health
Classification: Likely benign for Cardiomyopathy. Last evaluated: 2019-10-22. Review status: criteria provided, single submitter. Criteria: ACMG Guidelines, 2015. Collection method: clinical testing. Allele origin: germline.

Ambry Genetics
Classification: Likely benign for Cardiovascular phenotype. Last evaluated: 2019-08-29. Review status: criteria provided, single submitter. Criteria: Ambry Variant Classification Scheme 2023. Collection method: clinical testing. Allele origin: germline.